The following is an entry in ClinVar:

NM_024675.4(PALB2):c.108+4A>G

Gene: PALB2 (partner and localizer of BRCA2; minus strand). Cytogenetic location: 16p12.2.
Variant type: single nucleotide variant.
Coding change: c.108+4A>G on transcript NM_024675.4 (MANE Select); 4 bases into the intron after coding-DNA position 108, A replaced by G.
Molecular consequence: intron variant.
Genome position (GRCh38, 1-based): chr16:23,638,066, T>C on the plus strand (A>G on the coding strand, the complement: PALB2 is on the minus strand). VCF-style: chr16-23638066-T-C. GRCh37 (hg19) VCF-style: chr16-23649387-T-C.
Identifiers: ClinVar variation 480935 (VCV000480935.15), dbSNP rs1555462100, ClinGen allele CA658658450.

ClinVar aggregate classification (germline): Uncertain significance. Review status: criteria provided, multiple submitters, no conflicts (2 of 4 stars). 3 submissions from 3 submitters: Uncertain significance (3). Last evaluated 2025-02-05.

Conditions:
Familial cancer of breast. Also called: BREAST CANCER, FAMILIAL; Hereditary breast cancer; hereditary breast carcinoma. Identifiers: Orphanet 227535, MedGen C0346153, MONDO:0016419, OMIM 114480. Disease mechanism: loss of function.
Hereditary cancer-predisposing syndrome. Also called: Hereditary Cancer Syndrome; Neoplastic Syndromes, Hereditary; Tumor predisposition; Hereditary neoplastic syndrome. Identifiers: Orphanet 140162, MedGen C0027672, MeSH D009386, MONDO:0015356.

Submissions (3):

Ambry Genetics
Classification: Uncertain significance for Hereditary cancer-predisposing syndrome. Last evaluated: 2025-02-05. Review status: criteria provided, single submitter. Criteria: Ambry Variant Classification Scheme 2023. Collection method: clinical testing. Allele origin: germline.
Comment: The c.108+4A>G intronic variant results from an A to G substitution 4 nucleotides after coding exon 2 in the PALB2 gene. This nucleotide position is well conserved in available vertebrate species. In silico splice site analysis predicts that this alteration will not have any significant effect on splicing. Based on the available evidence, the clinical significance of this variant remains unclear.

Labcorp Genetics (formerly Invitae), Labcorp
Classification: Uncertain significance for Familial cancer of breast. Last evaluated: 2023-11-27. Review status: criteria provided, single submitter. Criteria: Invitae Variant Classification Sherloc (09022015). Collection method: clinical testing. Allele origin: germline.
Comment: This sequence change falls in intron 2 of the PALB2 gene. It does not directly change the encoded amino acid sequence of the PALB2 protein. It affects a nucleotide within the consensus splice site. This variant is not present in population databases (gnomAD no frequency). This variant has not been reported in the literature in individuals affected with PALB2-related conditions. ClinVar contains an entry for this variant (Variation ID: 480935). Variants that disrupt the consensus splice site are a relatively common cause of aberrant splicing (PMID: 17576681, 9536098). Algorithms developed to predict the effect of sequence changes on RNA splicing suggest that this variant is not likely to affect RNA splicing. In summary, the available evidence is currently insufficient to determine the role of this variant in disease. Therefore, it has been classified as a Variant of Uncertain Significance.

Women's Health and Genetics/Laboratory Corporation of America, LabCorp
Classification: Uncertain significance. Last evaluated: 2017-04-13. Review status: criteria provided, single submitter. Criteria: LabCorp Variant Classification Summary - May 2015. Collection method: clinical testing. Allele origin: germline.
Comment: Variant summary: The PALB2 c.108+4A>G variant involves the alteration of a non-conserved intronic nucleotide. One in silico tool predicts a damaging outcome for this variant. 4/5 splice prediction tools predict the variant to weaken a canonical splice donor site. However, these predictions have yet to be confirmed by functional studies. This variant is absent in 121404 control chromosomes. The variant of interest has not, to our knowledge, been reported in affected individuals via publications and/or reputable databases/clinical diagnostic laboratories; nor evaluated for functional impact by in vivo/vitro studies. Because of the absence of clinical information and the lack of functional studies, the variant is classified as a variant of uncertain significance (VUS) until additional information becomes available.

Literature cited by the submitters: PubMed 17576681 (cited by Labcorp Genetics (formerly Invitae), Labcorp); PubMed 9536098 (cited by Labcorp Genetics (formerly Invitae), Labcorp).